The following is an entry in ClinVar:

NM_016151.4(TAOK2):c.1910A>T (p.Gln637Leu)

Gene: TAOK2 (TAO kinase 2; plus strand). Cytogenetic location: 16p11.2.
Variant type: single nucleotide variant.
Coding change: c.1910A>T on transcript NM_016151.4 (MANE Select); coding-DNA position 1910, A replaced by T.
Protein change: p.Gln637Leu; replaces glutamine 637 with leucine.
Molecular consequence: missense variant.
Genome position (GRCh38, 1-based): chr16:29,985,779, A>T. VCF-style: chr16-29985779-A-T. GRCh37 (hg19) VCF-style: chr16-29997100-A-T.
Other names: c.1910A>T (NM_016151.2); c.1910A>T, p.Gln637Leu (NM_001252043.2, NM_004783.4); short protein forms Q637L.
Identifiers: ClinVar variation 2876961 (VCV002876961.4), dbSNP rs2069768558, ClinGen allele CA395487863.

ClinVar aggregate classification (germline): Uncertain significance. Review status: criteria provided, multiple submitters, no conflicts (2 of 4 stars). 2 submissions from 2 submitters: Uncertain significance (2). Last evaluated 2025-06-18.

Allele frequency attached by ClinVar (database versions not stated): gnomAD 0.00001.
gnomAD v4.1: 21 of 1,611,438 alleles (0.0013%); highest among the groups gnomAD compares: South Asian, 0.022%; 1 homozygote.

Submissions (2):

Ambry Genetics
Classification: Uncertain significance. Last evaluated: 2025-06-18. Review status: criteria provided, single submitter. Criteria: Ambry Variant Classification Scheme 2023. Collection method: clinical testing. Allele origin: germline.

Labcorp Genetics (formerly Invitae), Labcorp
Classification: Uncertain significance. Last evaluated: 2023-08-07. Review status: criteria provided, single submitter. Criteria: Invitae Variant Classification Sherloc (09022015). Collection method: clinical testing. Allele origin: germline.
Comment: This sequence change replaces glutamine, which is neutral and polar, with leucine, which is neutral and non-polar, at codon 637 of the TAOK2 protein (p.Gln637Leu). This variant is not present in population databases (gnomAD no frequency). This variant has not been reported in the literature in individuals affected with TAOK2-related conditions. An algorithm developed to predict the effect of missense changes on protein structure and function (PolyPhen-2) suggests that this variant is likely to be tolerated. In summary, the available evidence is currently insufficient to determine the role of this variant in disease. Therefore, it has been classified as a Variant of Uncertain Significance.